The following is an entry in ClinVar:

ClinVar aggregate classification (germline): Uncertain significance (1 of 4 stars; one submission).

Conditions:
Spermatogenic failure 18. Identifiers: MedGen C4539783, MONDO:0054615, OMIM 617576.
Ciliary dyskinesia, primary, 37 (CILD37). Also called: CILIARY DYSKINESIA, PRIMARY, 37, WITH OR WITHOUT SITUS INVERSUS. Identifiers: MedGen C4539798, MONDO:0033204, OMIM 617577.

Allele frequency attached by ClinVar (database versions not stated): ExAC 0.00002.
gnomAD v4.1: 20 of 1,614,036 alleles (0.0012%); highest among the groups gnomAD compares: South Asian, 0.011%; 1 homozygote.

Submission:

Labcorp Genetics (formerly Invitae), Labcorp
Classification: Uncertain significance for Ciliary dyskinesia, primary, 37; Spermatogenic failure 18. Last evaluated: 2022-12-30. Review status: criteria provided, single submitter. Criteria: Invitae Variant Classification Sherloc (09022015). Collection method: clinical testing. Allele origin: germline.
Comment: In summary, the available evidence is currently insufficient to determine the role of this variant in disease. Therefore, it has been classified as a Variant of Uncertain Significance. Algorithms developed to predict the effect of missense changes on protein structure and function are either unavailable or do not agree on the potential impact of this missense change (SIFT: "Deleterious"; PolyPhen-2: "Probably Damaging"; Align-GVGD: "Class C0"). This variant has not been reported in the literature in individuals affected with DNAH1-related conditions. This variant is present in population databases (no rsID available, gnomAD 0.01%). This sequence change replaces proline, which is neutral and non-polar, with leucine, which is neutral and non-polar, at codon 3561 of the DNAH1 protein (p.Pro3561Leu).

NM_015512.5(DNAH1):c.10682C>T (p.Pro3561Leu)

Gene: DNAH1 (dynein axonemal heavy chain 1; plus strand). Cytogenetic location: 3p21.1.
Variant type: single nucleotide variant.
Coding change: c.10682C>T on transcript NM_015512.5 (MANE Select); coding-DNA position 10682, C replaced by T.
Protein change: p.Pro3561Leu; replaces proline 3561 with leucine.
Molecular consequence: missense variant.
Genome position (GRCh38, 1-based): chr3:52,394,520, C>T. VCF-style: chr3-52394520-C-T. GRCh37 (hg19) VCF-style: chr3-52428536-C-T.
Other names: short protein forms P3561L.
Identifiers: ClinVar variation 2949108 (VCV002949108.1), dbSNP rs1553642627, ClinGen allele CA2435922.
Genomic context (GRCh38, chr3:52,394,520, plus strand): 5'-GCCAGAGTGAGTGGCGATACCTCCTGTCTGGGGGCTCCATCTCGATCATGACTGAGAATC[C>T]GGCACCGGACTGGCTGTCAGACCGGGCTTGGCGAGACATCCTAGCACTCTCGAACCTGCC-3'
Protein context (NP_056327.4, residues 3551-3571): GGSISIMTEN[Pro3561Leu]APDWLSDRAW